The following is an entry in ClinVar:

ClinVar aggregate classification (germline): Uncertain significance (1 of 4 stars; one submission).

Conditions:
Renal carnitine transport defect (CDSP). Also called: Carnitine Deficiency, Systemic; CARNITINE DEFICIENCY, SYSTEMIC, DUE TO DEFECT IN RENAL REABSORPTION OF CARNITINE; CARNITINE TRANSPORTER, PLASMA-MEMBRANE, DEFICIENCY OF; CARNITINE UPTAKE DEFECT; Systemic primary carnitine deficiency disease; Systemic primary carnitine deficiency. Identifiers: Orphanet 158, MedGen C0342788, MONDO:0008919, OMIM 212140.

Submission:

Labcorp Genetics (formerly Invitae), Labcorp
Classification: Uncertain significance for Renal carnitine transport defect. Last evaluated: 2024-02-17. Review status: criteria provided, single submitter. Criteria: Invitae Variant Classification Sherloc (09022015). Collection method: clinical testing. Allele origin: germline.
Comment: This sequence change replaces valine, which is neutral and non-polar, with alanine, which is neutral and non-polar, at codon 235 of the SLC22A5 protein (p.Val235Ala). This variant is not present in population databases (gnomAD no frequency). This variant has not been reported in the literature in individuals affected with SLC22A5-related conditions. ClinVar contains an entry for this variant (Variation ID: 641983). Advanced modeling of protein sequence and biophysical properties (such as structural, functional, and spatial information, amino acid conservation, physicochemical variation, residue mobility, and thermodynamic stability) has been performed at Invitae for this missense variant, however the output from this modeling did not meet the statistical confidence thresholds required to predict the impact of this variant on SLC22A5 protein function. In summary, the available evidence is currently insufficient to determine the role of this variant in disease. Therefore, it has been classified as a Variant of Uncertain Significance.

NM_003060.4(SLC22A5):c.704T>C (p.Val235Ala)

Gene: SLC22A5 (solute carrier family 22 member 5; plus strand). Cytogenetic location: 5q31.1.
Variant type: single nucleotide variant.
Coding change: c.704T>C on transcript NM_003060.4 (MANE Select); coding-DNA position 704, T replaced by C.
Protein change: p.Val235Ala; replaces valine 235 with alanine.
Molecular consequence: missense variant.
Genome position (GRCh38, 1-based): chr5:132,385,379, T>C. VCF-style: chr5-132385379-T-C. GRCh37 (hg19) VCF-style: chr5-131721071-T-C.
Other names: c.776T>C, p.Val259Ala (NM_001308122.2); short protein forms V259A, V235A.
Identifiers: ClinVar variation 641983 (VCV000641983.8), dbSNP rs796052034, ClinGen allele CA360805035.
Genomic context (GRCh38, chr5:132,385,379, plus strand): 5'-TTTGAACAGGGACAGAAATTCTTGGCAAGTCAGTTCGTATAATATTCTCTACGTTAGGAG[T>C]GTGCATATTTTATGCATTTGGCTACATGGTGCTGCCACTGTTTGCTTACTTCATCCGAGA-3'
Protein context (NP_003051.1, residues 225-245): SVRIIFSTLG[Val235Ala]CIFYAFGYMV